The following is an entry in ClinVar:

NM_000051.4(ATM):c.2220A>C (p.Ala740=)

Gene: ATM (ATM serine/threonine kinase; plus strand). Cytogenetic location: 11q22.3.
Variant type: single nucleotide variant.
Coding change: c.2220A>C on transcript NM_000051.4 (MANE Select); coding-DNA position 2220, A replaced by C.
Protein change: p.Ala740=; no amino-acid change (alanine 740 retained).
Molecular consequence: synonymous variant.
Genome position (GRCh38, 1-based): chr11:108,256,310, A>C. VCF-style: chr11-108256310-A-C. GRCh37 (hg19) VCF-style: chr11-108127037-A-C.
Other names: c.2220A>C, p.Ala740= (NM_001351834.2).
Identifiers: ClinVar variation 3254164 (VCV003254164.2), dbSNP rs56353517.
Genomic context (GRCh38, chr11:108,256,310, plus strand): 5'-TCTTTTGGTGGGTGTCCTTGGCTGCTACTGTTACATGGGTGTAATAGCTGAAGAGGAAGC[A>C]TATAAGTCAGAATTATTCCAGAAAGCCAAGGTAGGAGAATTTATACTAATAAAGTTTCGG-3'
Protein context (NP_000042.3, residues 730-750): CYMGVIAEEE[Ala740=]YKSELFQKAK

ClinVar aggregate classification (germline): Benign/Likely benign. Review status: criteria provided, multiple submitters, no conflicts (2 of 4 stars). 2 submissions from 2 submitters: Benign (1); Likely benign (1). Last evaluated 2024-06-30.

Conditions:
Familial cancer of breast. Also called: BREAST CANCER, FAMILIAL; Hereditary breast cancer; hereditary breast carcinoma. Identifiers: Orphanet 227535, MedGen C0346153, MONDO:0016419, OMIM 114480. Disease mechanism: loss of function.
Hereditary cancer-predisposing syndrome. Also called: Hereditary Cancer Syndrome; Tumor predisposition; Hereditary neoplastic syndrome; Neoplastic Syndromes, Hereditary. Identifiers: Orphanet 140162, MedGen C0027672, MeSH D009386, MONDO:0015356.

Submissions (2):

Ambry Genetics
Classification: Likely benign for Hereditary cancer-predisposing syndrome. Last evaluated: 2024-06-30. Review status: criteria provided, single submitter. Criteria: Ambry Variant Classification Scheme 2023. Collection method: clinical testing. Allele origin: germline.

Myriad Genetics, Inc.
Classification: Benign for Familial cancer of breast. Last evaluated: 2024-05-07. Review status: criteria provided, single submitter. Criteria: Myriad Autosomal Dominant, Autosomal Recessive and X-Linked Classification Criteria (2023). Collection method: clinical testing. Allele origin: unknown.
Comment: This variant is considered benign. This variant is a silent/synonymous amino acid change and it is not expected to impact splicing.